The following is an entry in ClinVar:

ClinVar aggregate classification (germline): Pathogenic/Likely pathogenic. Review status: criteria provided, multiple submitters, no conflicts (2 of 4 stars). 2 submissions from 2 submitters: Pathogenic (1); Likely pathogenic (1). Last evaluated 2025-05-08.

Conditions:
Familial dysautonomia. Also called: HSAN III; FD. Identifiers: Orphanet 1764, MedGen C0013364, MONDO:0009131, OMIM 223900. Disease mechanism: loss of function.

Submissions (2):

Natera, Inc.
Classification: Likely pathogenic for Familial dysautonomia. Last evaluated: 2025-05-08. Review status: criteria provided, single submitter. Criteria: Natera Variant Classification Schema (03/2026). Collection method: clinical testing. Allele origin: germline.
Comment: The c.2126T>G variant in ELP1 is a nonsense variant predicted to introduce a stop codon at amino acid 709. This variant is expected to result in nonsense mediated decay, truncation, or a dysfunctional protein product. This variant is rare in the general population with a frequency below the threshold expected for the associated phenotype(s). Given the available evidence, this variant is classified as Likely Pathogenic.

Labcorp Genetics (formerly Invitae), Labcorp
Classification: Pathogenic. Last evaluated: 2024-01-04. Review status: criteria provided, single submitter. Criteria: Invitae Variant Classification Sherloc (09022015). Collection method: clinical testing. Allele origin: germline.
Comment: This sequence change creates a premature translational stop signal (p.Leu709*) in the ELP1 gene. It is expected to result in an absent or disrupted protein product. Loss-of-function variants in ELP1 are known to be pathogenic (PMID: 18303054, 24173031). This variant is not present in population databases (gnomAD no frequency). This variant has not been reported in the literature in individuals affected with ELP1-related conditions. For these reasons, this variant has been classified as Pathogenic.

Literature cited by the submitters: PubMed 18303054 (cited by Labcorp Genetics (formerly Invitae), Labcorp); PubMed 24173031 (cited by Labcorp Genetics (formerly Invitae), Labcorp).

NM_003640.5(ELP1):c.2126T>G (p.Leu709Ter)

Gene: ELP1 (elongator acetyltransferase complex subunit 1; minus strand). Cytogenetic location: 9q31.3.
Variant type: single nucleotide variant.
Coding change: c.2126T>G on transcript NM_003640.5 (MANE Select); coding-DNA position 2126, T replaced by G.
Protein change: p.Leu709Ter; replaces leucine 709 with a stop codon.
Molecular consequence: nonsense.
Genome position (GRCh38, 1-based): chr9:108,900,264, A>C on the plus strand (T>G on the coding strand, the complement: ELP1 is on the minus strand). VCF-style: chr9-108900264-A-C. GRCh37 (hg19) VCF-style: chr9-111662544-A-C.
Other names: c.1784T>G, p.Leu595Ter (NM_001318360.2); c.1079T>G, p.Leu360Ter (NM_001330749.2); c.2126T>G (NM_003640.4); short protein forms L595*, L709*, L360*.
Identifiers: ClinVar variation 2771027 (VCV002771027.4), dbSNP rs2537898239, ClinGen allele CA374423313.